The following is an entry in ClinVar:

NM_001365999.1(SZT2):c.396G>T (p.Leu132=)

Gene: SZT2 (SZT2 subunit of KICSTOR complex; plus strand). Cytogenetic location: 1p34.2.
Variant type: single nucleotide variant.
Coding change: c.396G>T on transcript NM_001365999.1 (MANE Select); coding-DNA position 396, G replaced by T.
Protein change: p.Leu132=; no amino-acid change (leucine 132 retained).
Molecular consequence: synonymous variant.
Genome position (GRCh38, 1-based): chr1:43,404,448, G>T. VCF-style: chr1-43404448-G-T. GRCh37 (hg19) VCF-style: chr1-43870119-G-T.
Other names: c.396G>T, p.Leu132= (NM_015284.4).
Identifiers: ClinVar variation 4982882 (VCV004982882.1).

ClinVar aggregate classification (germline): Likely benign (1 of 4 stars; one submission).

Conditions:
SZT2-related disorder. Also called: SZT2-related condition.

Submission:

PreventionGenetics, part of Exact Sciences
Classification: Likely benign for SZT2-related condition. Last evaluated: 2025-07-28. Review status: criteria provided, single submitter. Criteria: ACMG Guidelines, 2015. Collection method: clinical testing. Allele origin: germline.
Comment: This variant is classified as likely benign based on ACMG/AMP sequence variant interpretation guidelines (Richards et al. 2015 PMID: 25741868, with internal and published modifications).